The following is an entry in ClinVar:

ClinVar aggregate classification (germline): Uncertain significance (1 of 4 stars; one submission).

gnomAD v4.1: 11 of 1,550,930 alleles (0.00071%); highest among the groups gnomAD compares: Non-Finnish European, 0.00096%; no homozygotes.

Submission:

Labcorp Genetics (formerly Invitae), Labcorp
Classification: Uncertain significance. Last evaluated: 2024-09-03. Review status: criteria provided, single submitter. Criteria: Invitae Variant Classification Sherloc (09022015). Collection method: clinical testing. Allele origin: germline.
Comment: This sequence change replaces threonine, which is neutral and polar, with isoleucine, which is neutral and non-polar, at codon 129 of the FOCAD protein (p.Thr129Ile). This variant is present in population databases (rs376862300, gnomAD 0.003%). This variant has not been reported in the literature in individuals affected with FOCAD-related conditions. Experimental studies and prediction algorithms are not available or were not evaluated, and the functional significance of this variant is currently unknown. In summary, the available evidence is currently insufficient to determine the role of this variant in disease. Therefore, it has been classified as a Variant of Uncertain Significance.

NM_001375567.1(FOCAD):c.386C>T (p.Thr129Ile)

Gene: FOCAD (focadhesin; plus strand). Cytogenetic location: 9p21.3.
Variant type: single nucleotide variant.
Coding change: c.386C>T on transcript NM_001375567.1 (MANE Select); coding-DNA position 386, C replaced by T.
Protein change: p.Thr129Ile; replaces threonine 129 with isoleucine.
Molecular consequence: missense variant. On other transcripts: intron variant (1).
Genome position (GRCh38, 1-based): chr9:20,740,334, C>T. VCF-style: chr9-20740334-C-T. GRCh37 (hg19) VCF-style: chr9-20740333-C-T.
Other names: c.386C>T, p.Thr129Ile (NM_001375568.1, NM_017794.5); c.288-17756C>T (NM_001375570.1); short protein forms T129I.
Identifiers: ClinVar variation 3648949 (VCV003648949.2).